The following is an entry in ClinVar:

NM_013382.7(POMT2):c.551C>T (p.Thr184Met)

Gene: POMT2 (protein O-mannosyltransferase 2; minus strand). Cytogenetic location: 14q24.3.
Variant type: single nucleotide variant.
Coding change: c.551C>T on transcript NM_013382.7 (MANE Select); coding-DNA position 551, C replaced by T.
Protein change: p.Thr184Met; replaces threonine 184 with methionine.
Molecular consequence: missense variant.
Genome position (GRCh38, 1-based): chr14:77,302,940, G>A on the plus strand (C>T on the coding strand, the complement: POMT2 is on the minus strand). VCF-style: chr14-77302940-G-A. GRCh37 (hg19) VCF-style: chr14-77769283-G-A.
Other names: T184M.
Identifiers: ClinVar variation 3229 (VCV000003229.29), dbSNP rs267606971, ClinGen allele CA223089.

ClinVar aggregate classification (germline): Pathogenic/Likely pathogenic. Review status: criteria provided, multiple submitters, no conflicts (2 of 4 stars). 12 submissions from 12 submitters: Pathogenic (1); Likely pathogenic (9). 2 of the submissions do not count toward it. Last evaluated 2025-07-14.

Conditions:
POMT2-related disorder. Also called: POMT2-related condition.
Autosomal recessive limb-girdle muscular dystrophy. Identifiers: Orphanet 102015, MedGen C2931907, MONDO:0015152.
Autosomal recessive limb-girdle muscular dystrophy type 2N. Also called: MUSCULAR DYSTROPHY-DYSTROGLYCANOPATHY, LIMB-GIRDLE, POMT2-RELATED; Muscular dystrophy-dystroglycanopathy (limb-girdle), type C, 2. Identifiers: Orphanet 206559, MedGen C3150418, MONDO:0013162, OMIM 613158.
Muscular dystrophy-dystroglycanopathy (congenital with brain and eye anomalies), type A2. Also called: WALKER-WARBURG SYNDROME OR MUSCLE-EYE-BRAIN DISEASE, POMT2-RELATED; MUSCULAR DYSTROPHY-DYSTROGLYCANOPATHY (CONGENITAL WITH BRAIN AND EYE ANOMALIES), TYPE A, 2. Identifiers: Orphanet 588, Orphanet 899, MedGen C3150411, MONDO:0013154, OMIM 613150.
Muscular dystrophy-dystroglycanopathy (congenital with impaired intellectual development), type B, 2. Also called: MUSCULAR DYSTROPHY, CONGENITAL, POMT2-RELATED; Muscular dystrophy-dystroglycanopathy (congenital with intellectual disability), type B2. Identifiers: MedGen C3150416, MONDO:0013160, OMIM 613156.
Intellectual disability. Also called: Intellectual functioning disability; intellectual disabilities; Intellectual developmental disorder. Identifiers: MedGen C3714756, MeSH D008607, MONDO:0001071, HP:0001249.

Allele frequency attached by ClinVar (database versions not stated): gnomAD exomes below 0.00001; TOPMed 0.00001; gnomAD 0.00003.
gnomAD v4.1: 9 of 1,610,418 alleles (0.00056%); highest among the groups gnomAD compares: Admixed American, 0.0017%; no homozygotes.

Submissions (12):

Revvity Omics, Revvity
Classification: Likely pathogenic. Last evaluated: 2025-07-14. Review status: criteria provided, single submitter. Criteria: ACMG Guidelines, 2015. Collection method: clinical testing. Allele origin: germline.

Labcorp Genetics (formerly Invitae), Labcorp
Classification: Likely pathogenic for Muscular dystrophy-dystroglycanopathy (congenital with impaired intellectual development), type B, 2; Muscular dystrophy-dystroglycanopathy (congenital with brain and eye anomalies), type A2; Autosomal recessive limb-girdle muscular dystrophy type 2N. Last evaluated: 2024-11-29. Review status: criteria provided, single submitter. Criteria: Invitae Variant Classification Sherloc (09022015). Collection method: clinical testing. Allele origin: germline.
Comment: This sequence change replaces threonine, which is neutral and polar, with methionine, which is neutral and non-polar, at codon 184 of the POMT2 protein (p.Thr184Met). This variant is present in population databases (rs267606971, gnomAD 0.003%). This missense change has been observed in individuals with muscular dystrophy-dystroglycanopathy (PMID: 17878207, 17923109, 25214167, 27447704, 30060766, 32528171, 33176815, 34413876). ClinVar contains an entry for this variant (Variation ID: 3229). Invitae Evidence Modeling of protein sequence and biophysical properties (such as structural, functional, and spatial information, amino acid conservation, physicochemical variation, residue mobility, and thermodynamic stability) indicates that this missense variant is not expected to disrupt POMT2 protein function with a negative predictive value of 95%. In summary, the currently available evidence indicates that the variant is pathogenic, but additional data are needed to prove that conclusively. Therefore, this variant has been classified as Likely Pathogenic.

Fulgent Genetics
Classification: Likely pathogenic for Muscular dystrophy-dystroglycanopathy (congenital with brain and eye anomalies), type A2; Muscular dystrophy-dystroglycanopathy (congenital with impaired intellectual development), type B, 2; Autosomal recessive limb-girdle muscular dystrophy type 2N. Last evaluated: 2024-06-15. Review status: criteria provided, single submitter. Criteria: ACMG Guidelines, 2015. Collection method: clinical testing. Allele origin: germline.

Women's Health and Genetics/Laboratory Corporation of America, LabCorp
Classification: Likely pathogenic for Autosomal recessive limb-girdle muscular dystrophy. Last evaluated: 2024-06-13. Review status: criteria provided, single submitter. Criteria: LabCorp Variant Classification Summary - May 2015. Collection method: clinical testing. Allele origin: germline.
Comment: Variant summary: POMT2 c.551C>T (p.Thr184Met) results in a non-conservative amino acid change located in the Glycosyl transferase family 39/83 domain (IPR003342) of the encoded protein sequence. Four of five in-silico tools predict a damaging effect of the variant on protein function. The variant allele was found at a frequency of 4e-06 in 248200 control chromosomes. c.551C>T has been reported in the literature in homozygous and compound heterozygous individuals affected with Limb-Girdle Muscular Dystrophy, Autosomal Recessive (Biancheri_2007, Chen_2021, Godfrey_2007, Lin_2020, Panicucci_2023, Savarese_2014). These data indicate that the variant is likely to be associated with disease. To our knowledge, no experimental evidence demonstrating an impact on protein function has been reported. The following publications have been ascertained in the context of this evaluation (PMID: 17923109, 34413876, 17878207, 33176815, 36797079, 25214167). ClinVar contains an entry for this variant (Variation ID: 3229). Based on the evidence outlined above, the variant was classified as likely pathogenic.

Baylor Genetics
Classification: Likely pathogenic for Muscular dystrophy-dystroglycanopathy (congenital with brain and eye anomalies), type A2. Last evaluated: 2024-01-25. Review status: criteria provided, single submitter. Criteria: ACMG Guidelines, 2015. Collection method: clinical testing. Allele origin: unknown.

3billion
Classification: Likely pathogenic for Muscular dystrophy-dystroglycanopathy (congenital with brain and eye anomalies), type A2. Last evaluated: 2023-09-27. Review status: criteria provided, single submitter. Criteria: ACMG Guidelines, 2015. Collection method: clinical testing. Allele origin: germline. Affected: yes.
Comment: The variant is observed at an extremely low frequency in the gnomAD v2.1.1 dataset (total allele frequency: 0.001%). Predicted Consequence/Location: Protein truncation variants are a common disease-causing mechanism. In silico tool predictions suggest a damaging effect of the variant on gene or gene product [REVEL: 0.83 (>=0.6, sensitivity 0.68 and specificity 0.92); 3Cnet: 0.36 (>=0.6, sensitivity 0.72 and precision 0.9)]. The same nucleotide change resulting in the same amino acid change has been previously reported as pathogenic/likely pathogenic with strong evidence (ClinVar ID: VCV000003229 /PMID: 17878207). Therefore, this variant is classified as Likely pathogenic according to the recommendation of ACMG/AMP guideline.

Blueprint Genetics
Classification: Likely pathogenic for POMT2-related disorders. Last evaluated: 2023-04-14. Review status: criteria provided, single submitter. Criteria: ACMG Guidelines, 2015. Collection method: clinical testing. Allele origin: germline. Affected: yes. Observed: 2 variant alleles.

MGZ Medical Genetics Center
Classification: Likely pathogenic for Autosomal recessive limb-girdle muscular dystrophy type 2N. Last evaluated: 2022-05-04. Review status: criteria provided, single submitter. Criteria: ACMG Guidelines, 2015. Collection method: clinical testing. Allele origin: germline. Affected: yes. Observed: 1 variant allele.
Comment: ACMG criteria applied: PS4_MOD, PM3, PM2_SUP, PP3

Eurofins Ntd Llc (ga)
Classification: Pathogenic. Last evaluated: 2017-05-15. Review status: criteria provided, single submitter. Criteria: EGL Classification Definitions 2015. Collection method: clinical testing. Allele origin: germline. Observed: 3 variant alleles, 3 heterozygotes.

Juno Genomics, Hangzhou Juno Genomics, Inc
Classification: Likely pathogenic for Muscular dystrophy-dystroglycanopathy (congenital with impaired intellectual development), type B, 2; Muscular dystrophy-dystroglycanopathy (congenital with brain and eye anomalies), type A2; Autosomal recessive limb-girdle muscular dystrophy type 2N. Review status: criteria provided, single submitter. Criteria: ACMG Guidelines, 2015. Collection method: clinical testing. Allele origin: germline.
Comment: Absent from controls (or at extremely low frequency if recessive) in Genome Aggregation Database.;Multiple lines of computational evidence support a deleterious effect on the gene or gene product.;For recessive disorders, detected in trans with a pathogenic variant.

Centre de Biologie Pathologie Génétique, Centre Hospitalier Universitaire de Lille
Classification: Uncertain significance for Intellectual disability. Last evaluated: 2019-01-01. Review status: no assertion criteria provided. Collection method: clinical testing. Allele origin: unknown. Affected: yes. Not counted in ClinVar's aggregate classification.

OMIM
Classification: Pathogenic for MUSCULAR DYSTROPHY-DYSTROGLYCANOPATHY (LIMB-GIRDLE), TYPE C, 2. Last evaluated: 2007-11-30. Review status: no assertion criteria provided. Collection method: literature only. Allele origin: germline. Not counted in ClinVar's aggregate classification.

Literature cited by the submitters: PubMed 17878207 (cited by 5 submitters); PubMed 17923109 (cited by 4 submitters); PubMed 25214167 (cited by Labcorp Genetics (formerly Invitae), Labcorp and Women's Health and Genetics/Laboratory Corporation of America, LabCorp); PubMed 27447704 (cited by Labcorp Genetics (formerly Invitae), Labcorp); PubMed 30060766 (cited by Labcorp Genetics (formerly Invitae), Labcorp); PubMed 32528171 (cited by Labcorp Genetics (formerly Invitae), Labcorp); PubMed 33176815 (cited by Labcorp Genetics (formerly Invitae), Labcorp and Women's Health and Genetics/Laboratory Corporation of America, LabCorp); PubMed 34413876 (cited by Labcorp Genetics (formerly Invitae), Labcorp and Women's Health and Genetics/Laboratory Corporation of America, LabCorp); PubMed 36797079 (cited by Women's Health and Genetics/Laboratory Corporation of America, LabCorp).